The following is an entry in ClinVar:

NM_014915.3(ANKRD26):c.418A>G (p.Asn140Asp)

Gene: ANKRD26 (ankyrin repeat domain 26; minus strand). Cytogenetic location: 10p12.1.
Variant type: single nucleotide variant.
Coding change: c.418A>G on transcript NM_014915.3 (MANE Select); coding-DNA position 418, A replaced by G.
Protein change: p.Asn140Asp; replaces asparagine 140 with aspartic acid.
Molecular consequence: missense variant.
Genome position (GRCh38, 1-based): chr10:27,093,462, T>C on the plus strand (A>G on the coding strand, the complement: ANKRD26 is on the minus strand). VCF-style: chr10-27093462-T-C. GRCh37 (hg19) VCF-style: chr10-27382391-T-C.
Other names: c.418A>G, p.Asn140Asp (NM_001256053.2); short protein forms N140D.
Identifiers: ClinVar variation 3377815 (VCV003377815.4).

ClinVar aggregate classification (germline): Uncertain significance. Review status: criteria provided, multiple submitters, no conflicts (2 of 4 stars). 3 submissions from 3 submitters: Uncertain significance (3). Last evaluated 2025-10-28.

Conditions:
Inborn genetic diseases. Identifiers: MedGen C0950123, MeSH D030342.
Thrombocytopenia 2 (THC2). Also called: ANKRD26-Related Thrombocytopenia. Identifiers: Orphanet 268322, MedGen C1861185, MONDO:0008555, OMIM 188000.

gnomAD v4.1: 3 of 1,614,230 alleles (0.00019%); highest among the groups gnomAD compares: South Asian, 0.0033%; 1 homozygote.

Submissions (3):

Ambry Genetics
Classification: Uncertain significance for Inborn genetic diseases. Last evaluated: 2025-10-28. Review status: criteria provided, single submitter. Criteria: Ambry Variant Classification Scheme 2023. Collection method: clinical testing. Allele origin: germline.
Comment: The p.N140D variant (also known as c.418A>G), located in coding exon 3 of the ANKRD26 gene, results from an A to G substitution at nucleotide position 418. The asparagine at codon 140 is replaced by aspartic acid, an amino acid with highly similar properties. This amino acid position is conserved. In addition, this alteration is predicted to be tolerated by in silico analysis. Based on the available evidence, the clinical significance of this variant remains unclear.

Labcorp Genetics (formerly Invitae), Labcorp
Classification: Uncertain significance. Last evaluated: 2024-04-27. Review status: criteria provided, single submitter. Criteria: Invitae Variant Classification Sherloc (09022015). Collection method: clinical testing. Allele origin: germline.
Comment: This sequence change replaces asparagine, which is neutral and polar, with aspartic acid, which is acidic and polar, at codon 140 of the ANKRD26 protein (p.Asn140Asp). This variant is present in population databases (rs781189928, gnomAD 0.003%). This variant has not been reported in the literature in individuals affected with ANKRD26-related conditions. Algorithms developed to predict the effect of missense changes on protein structure and function output the following: SIFT: "Not Available"; PolyPhen-2: "Benign"; Align-GVGD: "Not Available". The aspartic acid amino acid residue is found in multiple mammalian species, which suggests that this missense change does not adversely affect protein function. In summary, the available evidence is currently insufficient to determine the role of this variant in disease. Therefore, it has been classified as a Variant of Uncertain Significance.

St. Jude Molecular Pathology, St. Jude Children's Research Hospital
Classification: Uncertain significance for Thrombocytopenia 2. Last evaluated: 2023-12-25. Review status: criteria provided, single submitter. Criteria: St. Jude Assertion Criteria 2020. Collection method: clinical testing. Allele origin: germline.
Comment: The ANKRD26 c.418A>G (p.Asn140Asp) missense change has a maximum subpopulation frequency of 0.003% in gnomAD v2.1.1. This variant is not located in the 5' UTR. The in silico tool REVEL predicts a benign effect on protein function, but to our knowledge this prediction has not been confirmed by functional studies. To our knowledge, this variant has not been reported in individuals with ANKRD26-related thrombocytopenia. In summary, the evidence currently available is insufficient to determine the clinical significance of this variant. It has therefore been classified as of uncertain significance.